The following is an entry in ClinVar:

ClinVar aggregate classification (germline): Uncertain significance (1 of 4 stars; one submission).

Submission:

GeneDx
Classification: Uncertain significance. Last evaluated: 2014-09-18. Review status: criteria provided, single submitter. Criteria: GeneDx Variant Classification (06012015). Collection method: clinical testing. Allele origin: germline. Affected: yes.
Comment: p.Ala232Thr (GCC>ACC): c.694 G>A in exon 5 of the FOLR1 gene (NM_016725.2):A variant of unknown significance has been identified in the FOLR1 gene. The A232T variant has not been published as a mutation, nor has it been reported as a benign polymorphism to our knowledge. It was not observed in approximately 6,500 individuals of European and African American ancestry in the NHLBI Exome Sequencing Project, indicating it is not a common benign variant in these populations. The A232T variant is a non-conservative amino acid substitution, which is likely to impact secondary protein structure as these residues differ in polarity, charge, size and/or other properties. However, this substitution occurs at a position that is not conserved across species, with the same residue change (A>T) seen in a few other mammals. Additionally, in silico analysis predicts the A232T variant likely does not alter the protein structure/function. Therefore, based on the currently available information, it is unclear whether this variant is a pathogenic mutation or a rare benign variant. The finding of a single missense variant of unknown clinical significance makes the molecular diagnosis inconclusive, and clinical findings should also be considered in a diagnosis. The variant is found in EPILEPSY panel(s).

NM_016729.3(FOLR1):c.694G>A (p.Ala232Thr)

Genes: FOLR1 (folate receptor alpha; plus strand), FOLR1-AS1 (FOLR1 antisense RNA 1; minus strand). Cytogenetic location: 11q13.4.
Variant type: single nucleotide variant.
Coding change: c.694G>A on transcript NM_016729.3 (MANE Select); coding-DNA position 694, G replaced by A.
Protein change: p.Ala232Thr; replaces alanine 232 with threonine.
Molecular consequence: missense variant.
Genome position (GRCh38, 1-based): chr11:72,196,097, G>A. VCF-style: chr11-72196097-G-A. GRCh37 (hg19) VCF-style: chr11-71907141-G-A.
Other names: p.A232T:GCC>ACC; c.694G>A, p.Ala232Thr (NM_000802.3, NM_016724.3, NM_016725.3); short protein forms A232T.
Identifiers: ClinVar variation 205457 (VCV000205457.2), dbSNP rs796052443, ClinGen allele CA314550.